The following is an entry in ClinVar:

NM_015896.4(ZMYND10):c.878G>A (p.Arg293Gln)

Gene: ZMYND10 (zinc finger MYND-type containing 10; minus strand). Cytogenetic location: 3p21.31.
Variant type: single nucleotide variant.
Coding change: c.878G>A on transcript NM_015896.4 (MANE Select); coding-DNA position 878, G replaced by A.
Protein change: p.Arg293Gln; replaces arginine 293 with glutamine.
Molecular consequence: missense variant.
Genome position (GRCh38, 1-based): chr3:50,342,136, C>T on the plus strand (G>A on the coding strand, the complement: ZMYND10 is on the minus strand). VCF-style: chr3-50342136-C-T. GRCh37 (hg19) VCF-style: chr3-50379567-C-T.
Other names: c.863G>A, p.Arg288Gln (NM_001308379.2); short protein forms R293Q, R288Q.
Identifiers: ClinVar variation 966024 (VCV000966024.6), dbSNP rs763288032, ClinGen allele CA2417047.

ClinVar aggregate classification (germline): Uncertain significance. Review status: criteria provided, multiple submitters, no conflicts (2 of 4 stars). 2 submissions from 2 submitters: Uncertain significance (2). Last evaluated 2022-05-04.

Conditions:
Inborn genetic diseases. Identifiers: MedGen C0950123, MeSH D030342.
Primary ciliary dyskinesia. Also called: Ciliary dyskinesia. Identifiers: Orphanet 244, MedGen C0008780, MONDO:0016575, HP:0012265.

Allele frequency attached by ClinVar (database versions not stated): ExAC 0.00002; gnomAD 0.00002 and 0.00003; gnomAD exomes 0.00003; TOPMed 0.00003.

Submissions (2):

Ambry Genetics
Classification: Uncertain significance for Inborn genetic diseases. Last evaluated: 2022-05-04. Review status: criteria provided, single submitter. Criteria: Ambry Variant Classification Scheme 2023. Collection method: clinical testing. Allele origin: germline.

Labcorp Genetics (formerly Invitae), Labcorp
Classification: Uncertain significance for Primary ciliary dyskinesia. Last evaluated: 2020-08-27. Review status: criteria provided, single submitter. Criteria: Invitae Variant Classification Sherloc (09022015). Collection method: clinical testing. Allele origin: germline.
Comment: This sequence change replaces arginine with glutamine at codon 293 of the ZMYND10 protein (p.Arg293Gln). The arginine residue is moderately conserved and there is a small physicochemical difference between arginine and glutamine. This variant is present in population databases (rs763288032, ExAC 0.01%). This variant has not been reported in the literature in individuals with ZMYND10-related conditions. Algorithms developed to predict the effect of missense changes on protein structure and function output the following: SIFT: "Tolerated"; PolyPhen-2: "Benign"; Align-GVGD: "Class C0". The glutamine amino acid residue is found in multiple mammalian species, suggesting that this missense change does not adversely affect protein function. These predictions have not been confirmed by published functional studies and their clinical significance is uncertain. In summary, the available evidence is currently insufficient to determine the role of this variant in disease. Therefore, it has been classified as a Variant of Uncertain Significance.